The following is an entry in ClinVar:

NM_001458.5(FLNC):c.5261A>G (p.Tyr1754Cys)

Gene: FLNC (filamin C; plus strand). Cytogenetic location: 7q32.1.
Variant type: single nucleotide variant.
Coding change: c.5261A>G on transcript NM_001458.5 (MANE Select); coding-DNA position 5261, A replaced by G.
Protein change: p.Tyr1754Cys; replaces tyrosine 1754 with cysteine.
Molecular consequence: missense variant. On other transcripts: intron variant (1).
Genome position (GRCh38, 1-based): chr7:128,850,037, A>G. VCF-style: chr7-128850037-A-G. GRCh37 (hg19) VCF-style: chr7-128490091-A-G.
Other names: c.5200-347A>G (NM_001127487.2); short protein forms Y1754C.
Identifiers: ClinVar variation 646555 (VCV000646555.10), dbSNP rs1330454582, ClinGen allele CA369204674.

ClinVar aggregate classification (germline): Uncertain significance. Review status: criteria provided, multiple submitters, no conflicts (2 of 4 stars). 2 submissions from 2 submitters: Uncertain significance (2). Last evaluated 2023-02-21.

Conditions:
Myofibrillar myopathy 5. Also called: Filaminopathy (type); FILAMINOPATHY, AUTOSOMAL DOMINANT. Identifiers: Orphanet 171445, MedGen C1836050, MONDO:0012289, OMIM 609524.
Hypertrophic cardiomyopathy 26. Also called: Cardiomyopathy, familial hypertrophic, 26. Identifiers: Orphanet 75249, MedGen C4310749, MONDO:0014883, OMIM 617047.
Distal myopathy with posterior leg and anterior hand involvement. Also called: WILLIAMS DISTAL MYOPATHY. Identifiers: Orphanet 63273, MedGen C3279722, MONDO:0013550, OMIM 614065.

Allele frequency attached by ClinVar (database versions not stated): gnomAD exomes below 0.00001.

Submissions (2):

Labcorp Genetics (formerly Invitae), Labcorp
Classification: Uncertain significance for Distal myopathy with posterior leg and anterior hand involvement; Myofibrillar myopathy 5; Hypertrophic cardiomyopathy 26. Last evaluated: 2023-02-21. Review status: criteria provided, single submitter. Criteria: Invitae Variant Classification Sherloc (09022015). Collection method: clinical testing. Allele origin: germline.
Comment: This sequence change replaces tyrosine, which is neutral and polar, with cysteine, which is neutral and slightly polar, at codon 1754 of the FLNC protein (p.Tyr1754Cys). In summary, the available evidence is currently insufficient to determine the role of this variant in disease. Therefore, it has been classified as a Variant of Uncertain Significance. An algorithm developed to predict the effect of missense changes on protein structure and function (PolyPhen-2) suggests that this variant is likely to be tolerated. ClinVar contains an entry for this variant (Variation ID: 646555). This variant has not been reported in the literature in individuals affected with FLNC-related conditions. This variant is present in population databases (no rsID available, gnomAD no frequency).

GeneDx
Classification: Uncertain significance. Last evaluated: 2021-05-20. Review status: criteria provided, single submitter. Criteria: GeneDx Variant Classification Process June 2021. Collection method: clinical testing. Allele origin: germline. Affected: yes.
Comment: In silico analysis supports that this missense variant does not alter protein structure/function; Has not been previously published as pathogenic or benign to our knowledge